The following is an entry in ClinVar:

ClinVar aggregate classification (germline): Uncertain significance (1 of 4 stars; one submission).

Allele frequency attached by ClinVar (database versions not stated): gnomAD 0.00001; TOPMed 0.00002.
gnomAD v4.1: 2 of 1,570,234 alleles (0.00013%); highest among the groups gnomAD compares: African/African-American, 0.0028%; no homozygotes.

Submission:

Labcorp Genetics (formerly Invitae), Labcorp
Classification: Uncertain significance. Last evaluated: 2022-04-24. Review status: criteria provided, single submitter. Criteria: Invitae Variant Classification Sherloc (09022015). Collection method: clinical testing. Allele origin: germline.
Comment: This variant has not been reported in the literature in individuals affected with EIF2AK1-related conditions. This sequence change replaces isoleucine, which is neutral and non-polar, with threonine, which is neutral and polar, at codon 198 of the EIF2AK1 protein (p.Ile198Thr). This variant is not present in population databases (gnomAD no frequency). Algorithms developed to predict the effect of missense changes on protein structure and function are either unavailable or do not agree on the potential impact of this missense change (SIFT: "Deleterious"; PolyPhen-2: "Probably Damaging"; Align-GVGD: "Class C0"). In summary, the available evidence is currently insufficient to determine the role of this variant in disease. Therefore, it has been classified as a Variant of Uncertain Significance.

NM_014413.4(EIF2AK1):c.593T>C (p.Ile198Thr)

Gene: EIF2AK1 (eukaryotic translation initiation factor 2 alpha kinase 1; minus strand). Cytogenetic location: 7p22.1.
Variant type: single nucleotide variant.
Coding change: c.593T>C on transcript NM_014413.4 (MANE Select); coding-DNA position 593, T replaced by C.
Protein change: p.Ile198Thr; replaces isoleucine 198 with threonine.
Molecular consequence: missense variant.
Genome position (GRCh38, 1-based): chr7:6,046,108, A>G on the plus strand (T>C on the coding strand, the complement: EIF2AK1 is on the minus strand). VCF-style: chr7-6046108-A-G. GRCh37 (hg19) VCF-style: chr7-6085739-A-G.
Other names: c.593T>C, p.Ile198Thr (NM_001134335.2); short protein forms I198T.
Identifiers: ClinVar variation 2116221 (VCV002116221.4), dbSNP rs758345751, ClinGen allele CA153259154.